The following is an entry in ClinVar:

ClinVar aggregate classification (germline): Uncertain significance (1 of 4 stars; one submission).

Conditions:
Hereditary spastic paraplegia 6 (SPG6). Also called: SPASTIC PARAPLEGIA 6, AUTOSOMAL DOMINANT. Identifiers: Orphanet 100988, MedGen C1838192, MONDO:0010878, OMIM 600363.

Submission:

Labcorp Genetics (formerly Invitae), Labcorp
Classification: Uncertain significance for Hereditary spastic paraplegia 6. Last evaluated: 2022-08-02. Review status: criteria provided, single submitter. Criteria: Invitae Variant Classification Sherloc (09022015). Collection method: clinical testing. Allele origin: germline.
Comment: This variant has not been reported in the literature in individuals affected with NIPA1-related conditions. This variant is not present in population databases (gnomAD no frequency). This sequence change replaces valine, which is neutral and non-polar, with aspartic acid, which is acidic and polar, at codon 266 of the NIPA1 protein (p.Val266Asp). In summary, the available evidence is currently insufficient to determine the role of this variant in disease. Therefore, it has been classified as a Variant of Uncertain Significance. Algorithms developed to predict the effect of missense changes on protein structure and function are either unavailable or do not agree on the potential impact of this missense change (SIFT: "Deleterious"; PolyPhen-2: "Probably Damaging"; Align-GVGD: "Class C15").

NM_144599.5(NIPA1):c.797T>A (p.Val266Asp)

Gene: NIPA1 (NIPA magnesium transporter 1; plus strand). Cytogenetic location: 15q11.2.
Variant type: single nucleotide variant.
Coding change: c.797T>A on transcript NM_144599.5 (MANE Select); coding-DNA position 797, T replaced by A.
Protein change: p.Val266Asp; replaces valine 266 with aspartic acid.
Molecular consequence: missense variant.
Genome position (GRCh38, 1-based): chr15:22,824,046, T>A. VCF-style: chr15-22824046-T-A. GRCh37 (hg19) VCF-style: chr15-23049022-A-T.
Other names: c.572T>A, p.Val191Asp (NM_001142275.1); short protein forms V191D, V266D.
Identifiers: ClinVar variation 1714782 (VCV001714782.5), dbSNP rs2503821146, ClinGen allele CA391304189.